The following is an entry in ClinVar:

NC_000009.11:g.(?_135775735)_(135820530_?)del

Gene: TSC1 (TSC complex subunit 1; minus strand). Cytogenetic location: 9q34.13.
Variant type: Deletion.
Identifiers: ClinVar variation 1454914 (VCV001454914.4).

ClinVar aggregate classification (germline): Pathogenic (1 of 4 stars; one submission).

Conditions:
Tuberous sclerosis 1 (TSC1). Identifiers: Orphanet 805, MedGen C1854465, MONDO:0008612, OMIM 191100.

Submission:

Labcorp Genetics (formerly Invitae), Labcorp
Classification: Pathogenic for Tuberous sclerosis 1. Last evaluated: 2021-03-13. Review status: criteria provided, single submitter. Criteria: Invitae Variant Classification Sherloc (09022015). Collection method: clinical testing. Allele origin: germline.
Comment: For these reasons, this variant has been classified as Pathogenic. This variant has not been reported in the literature in individuals with TSC1-related conditions. This variant is a gross deletion of the genomic region encompassing exon(s) 1-20 of the TSC1 gene, which includes the initiator codon. The 5' end of this event is unknown as it extends beyond the assayed region for this gene and therefore may encompass additional genes. The 3' boundary is likely confined to intron 20 of the TSC1 gene. It is expected to result in an absent or disrupted protein product. Loss-of-function variants in TSC1 are known to be pathogenic (PMID: 10227394, 17304050).

Literature cited by the submitters: PubMed 10227394; PubMed 17304050.